The following is an entry in ClinVar:

NM_000426.4(LAMA2):c.994G>A (p.Ala332Thr)

Gene: LAMA2 (laminin subunit alpha 2; plus strand). Cytogenetic location: 6q22.33.
Variant type: single nucleotide variant.
Coding change: c.994G>A on transcript NM_000426.4 (MANE Select); coding-DNA position 994, G replaced by A.
Protein change: p.Ala332Thr; replaces alanine 332 with threonine.
Molecular consequence: missense variant.
Genome position (GRCh38, 1-based): chr6:129,149,063, G>A. VCF-style: chr6-129149063-G-A. GRCh37 (hg19) VCF-style: chr6-129470208-G-A.
Other names: c.994G>A, p.Ala332Thr (NM_001079823.2); short protein forms A332T.
Identifiers: ClinVar variation 1450992 (VCV001450992.6), dbSNP rs1314915917, ClinGen allele CA365606670.
Genomic context (GRCh38, chr6:129,149,063, plus strand): 5'-AACACATGTGGCGATAGCTGTGATCAGTGCTGTCCAGGATTCCATCAGAAACCCTGGAGA[G>A]CTGGAACTTTTCTAACTAAAACTGAATGTGAAGGTATGTTCTTTAGAAGCCAACAAAATA-3'
Protein context (NP_000417.3, residues 322-342): CPGFHQKPWR[Ala332Thr]GTFLTKTECE

ClinVar aggregate classification (germline): Uncertain significance (1 of 4 stars; one submission).

Conditions:
LAMA2-related muscular dystrophy (LAMA2-RD). Also called: Laminin alpha 2-related dystrophy. Identifiers: MedGen C5679788, MONDO:0100228.

Submission:

Labcorp Genetics (formerly Invitae), Labcorp
Classification: Uncertain significance for LAMA2-related muscular dystrophy. Last evaluated: 2021-11-05. Review status: criteria provided, single submitter. Criteria: Invitae Variant Classification Sherloc (09022015). Collection method: clinical testing. Allele origin: germline.
Comment: In summary, the available evidence is currently insufficient to determine the role of this variant in disease. Therefore, it has been classified as a Variant of Uncertain Significance. Advanced modeling of protein sequence and biophysical properties (such as structural, functional, and spatial information, amino acid conservation, physicochemical variation, residue mobility, and thermodynamic stability) performed at Invitae indicates that this missense variant is not expected to disrupt LAMA2 protein function. This variant has not been reported in the literature in individuals affected with LAMA2-related conditions. This variant is not present in population databases (gnomAD no frequency). This sequence change replaces alanine, which is neutral and non-polar, with threonine, which is neutral and polar, at codon 332 of the LAMA2 protein (p.Ala332Thr).